The following is an entry in ClinVar:

NM_001371727.1(GABRB2):c.1293G>A (p.Met431Ile)

Gene: GABRB2 (gamma-aminobutyric acid type A receptor subunit beta2; minus strand). Cytogenetic location: 5q34.
Variant type: single nucleotide variant.
Coding change: c.1293G>A on transcript NM_001371727.1 (MANE Select); coding-DNA position 1293, G replaced by A.
Protein change: p.Met431Ile; replaces methionine 431 with isoleucine.
Molecular consequence: missense variant.
Genome position (GRCh38, 1-based): chr5:161,294,327, C>T on the plus strand (G>A on the coding strand, the complement: GABRB2 is on the minus strand). VCF-style: chr5-161294327-C-T. GRCh37 (hg19) VCF-style: chr5-160721334-C-T.
Other names: c.1179G>A, p.Met393Ile (NM_000813.3); c.1293G>A, p.Met431Ile (NM_021911.3); short protein forms M393I, M431I.
Identifiers: ClinVar variation 2817333 (VCV002817333.3), dbSNP rs762419466, ClinGen allele CA3543346.

ClinVar aggregate classification (germline): Uncertain significance (1 of 4 stars; one submission).

Conditions:
Intellectual disability. Also called: Intellectual functioning disability; intellectual disabilities; Intellectual developmental disorder. Identifiers: MedGen C3714756, MeSH D008607, MONDO:0001071, HP:0001249.

Allele frequency attached by ClinVar (database versions not stated): ExAC 0.00002; gnomAD exomes below 0.00001.
gnomAD v4.1: 3 of 1,614,134 alleles (0.00019%); highest among the groups gnomAD compares: East Asian, 0.0022%; no homozygotes.

Submission:

Labcorp Genetics (formerly Invitae), Labcorp
Classification: Uncertain significance for Intellectual disability. Last evaluated: 2022-11-29. Review status: criteria provided, single submitter. Criteria: Invitae Variant Classification Sherloc (09022015). Collection method: clinical testing. Allele origin: germline.
Comment: This variant is present in population databases (rs762419466, gnomAD 0.01%). This variant has not been reported in the literature in individuals affected with GABRB2-related conditions. Algorithms developed to predict the effect of missense changes on protein structure and function (SIFT, PolyPhen-2, Align-GVGD) all suggest that this variant is likely to be tolerated. In summary, the available evidence is currently insufficient to determine the role of this variant in disease. Therefore, it has been classified as a Variant of Uncertain Significance. This sequence change replaces methionine, which is neutral and non-polar, with isoleucine, which is neutral and non-polar, at codon 431 of the GABRB2 protein (p.Met431Ile).